The following is an entry in ClinVar:

ClinVar aggregate classification (germline): Uncertain significance (1 of 4 stars; one submission).

Submission:

Labcorp Genetics (formerly Invitae), Labcorp
Classification: Uncertain significance. Last evaluated: 2022-06-15. Review status: criteria provided, single submitter. Criteria: Invitae Variant Classification Sherloc (09022015). Collection method: clinical testing. Allele origin: germline.
Comment: This sequence change replaces serine, which is neutral and polar, with phenylalanine, which is neutral and non-polar, at codon 383 of the MAP3K7 protein (p.Ser383Phe). This variant is not present in population databases (gnomAD no frequency). This variant has not been reported in the literature in individuals affected with MAP3K7-related conditions. Algorithms developed to predict the effect of missense changes on protein structure and function are either unavailable or do not agree on the potential impact of this missense change (SIFT: "Deleterious"; PolyPhen-2: "Benign"; Align-GVGD: "Class C15"). In summary, the available evidence is currently insufficient to determine the role of this variant in disease. Therefore, it has been classified as a Variant of Uncertain Significance.

NM_145331.3(MAP3K7):c.1148C>T (p.Ser383Phe)

Gene: MAP3K7 (mitogen-activated protein kinase kinase kinase 7; minus strand). Cytogenetic location: 6q15.
Variant type: single nucleotide variant.
Coding change: c.1148C>T on transcript NM_145331.3 (MANE Select); coding-DNA position 1148, C replaced by T.
Protein change: p.Ser383Phe; replaces serine 383 with phenylalanine.
Molecular consequence: missense variant.
Genome position (GRCh38, 1-based): chr6:90,547,320, G>A on the plus strand (C>T on the coding strand, the complement: MAP3K7 is on the minus strand). VCF-style: chr6-90547320-G-A. GRCh37 (hg19) VCF-style: chr6-91257039-G-A.
Other names: c.1148C>T, p.Ser383Phe (NM_003188.4, NM_145332.3, NM_145333.3); short protein forms S383F.
Identifiers: ClinVar variation 1975717 (VCV001975717.5), dbSNP rs2481799897, ClinGen allele CA365008680.